The following is an entry in ClinVar:

ClinVar aggregate classification (germline): Uncertain significance (1 of 4 stars; one submission).

Allele frequency attached by ClinVar (database versions not stated): ExAC 0.00001; gnomAD 0.00001; gnomAD exomes 0.00001; TOPMed 0.00003.
gnomAD v4.1: 6 of 1,613,848 alleles (0.00037%); highest among the groups gnomAD compares: South Asian, 0.0022%; no homozygotes.

Submission:

Labcorp Genetics (formerly Invitae), Labcorp
Classification: Uncertain significance. Last evaluated: 2023-08-24. Review status: criteria provided, single submitter. Criteria: Invitae Variant Classification Sherloc (09022015). Collection method: clinical testing. Allele origin: germline.
Comment: In summary, the available evidence is currently insufficient to determine the role of this variant in disease. Therefore, it has been classified as a Variant of Uncertain Significance. Algorithms developed to predict the effect of missense changes on protein structure and function output the following: SIFT: "Not Available"; PolyPhen-2: "Benign"; Align-GVGD: "Not Available". The phenylalanine amino acid residue is found in multiple mammalian species, which suggests that this missense change does not adversely affect protein function. ClinVar contains an entry for this variant (Variation ID: 1919201). This variant has not been reported in the literature in individuals affected with ANGPT1-related conditions. This variant is present in population databases (rs748768125, gnomAD 0.003%). This sequence change replaces leucine, which is neutral and non-polar, with phenylalanine, which is neutral and non-polar, at codon 10 of the ANGPT1 protein (p.Leu10Phe).

NM_001146.5(ANGPT1):c.28C>T (p.Leu10Phe)

Gene: ANGPT1 (angiopoietin 1; minus strand). Cytogenetic location: 8q23.1.
Variant type: single nucleotide variant.
Coding change: c.28C>T on transcript NM_001146.5 (MANE Select); coding-DNA position 28, C replaced by T.
Protein change: p.Leu10Phe; replaces leucine 10 with phenylalanine.
Molecular consequence: missense variant.
Genome position (GRCh38, 1-based): chr8:107,497,531, G>A on the plus strand (C>T on the coding strand, the complement: ANGPT1 is on the minus strand). VCF-style: chr8-107497531-G-A. GRCh37 (hg19) VCF-style: chr8-108509759-G-A.
Other names: c.28C>T, p.Leu10Phe (NM_001199859.3); short protein forms L10F.
Identifiers: ClinVar variation 1919201 (VCV001919201.5), dbSNP rs748768125, ClinGen allele CA4841456.
Genomic context (GRCh38, chr8:107,497,531, plus strand): 5'-CACTGTTTTCTGGACTTCGGCGCTGATTGCTGCACCCTATGTGAGTCAGAATGGCAGCGA[G>A]GAAAGCAAAGGAAAGGAAAACTGTCATTGTACTGCCAGCACACTCCTTCCGTGCCTCTCG-3'
Protein context (NP_001137.2, residues 1-20): MTVFLSFAF[Leu10Phe]AAILTHIGCS